The following is an entry in ClinVar:

NM_020207.7(ERCC6L2):c.190A>G (p.Ile64Val)

Gene: ERCC6L2 (ERCC excision repair 6 like 2; plus strand). Cytogenetic location: 9q22.32.
Variant type: single nucleotide variant.
Coding change: c.190A>G on transcript NM_020207.7 (MANE Select); coding-DNA position 190, A replaced by G.
Protein change: p.Ile64Val; replaces isoleucine 64 with valine.
Molecular consequence: missense variant. On other transcripts: non-coding transcript variant (1).
Genome position (GRCh38, 1-based): chr9:95,881,012, A>G. VCF-style: chr9-95881012-A-G. GRCh37 (hg19) VCF-style: chr9-98643294-A-G.
Other names: c.190A>G, p.Ile64Val (NM_001010895.4, NM_001375291.1, NM_001375292.1 and 2 more transcripts); short protein forms I64V.
Identifiers: ClinVar variation 1375659 (VCV001375659.6), dbSNP rs146034461, ClinGen allele CA5139254.

ClinVar aggregate classification (germline): Conflicting classifications of pathogenicity. Review status: criteria provided, conflicting classifications (1 of 4 stars). 2 submissions from 2 submitters: Uncertain significance (1); Likely benign (1). Last evaluated 2025-01-19.

Conditions:
Inborn genetic diseases. Identifiers: MedGen C0950123, MeSH D030342.

Allele frequency attached by ClinVar (database versions not stated): TOPMed 0.00003; gnomAD 0.00001; ExAC 0.00002; ESP Exome Variant Server 0.00008.
gnomAD v4.1: 37 of 1,613,950 alleles (0.0023%); highest among the groups gnomAD compares: Non-Finnish European, 0.0029%; no homozygotes.

Submissions (2):

Ambry Genetics
Classification: Likely benign for Inborn genetic diseases. Last evaluated: 2025-01-19. Review status: criteria provided, single submitter. Criteria: Ambry Variant Classification Scheme 2023. Collection method: clinical testing. Allele origin: germline.

Labcorp Genetics (formerly Invitae), Labcorp
Classification: Uncertain significance. Last evaluated: 2021-08-27. Review status: criteria provided, single submitter. Criteria: Invitae Variant Classification Sherloc (09022015). Collection method: clinical testing. Allele origin: germline.
Comment: This sequence change replaces isoleucine with valine at codon 75 of the ERCC6L2 protein (p.Ile75Val). The isoleucine residue is weakly conserved and there is a small physicochemical difference between isoleucine and valine. This variant is present in population databases (rs146034461, ExAC 0.003%). This variant has not been reported in the literature in individuals affected with ERCC6L2-related conditions. Algorithms developed to predict the effect of missense changes on protein structure and function output the following: SIFT: "Tolerated"; PolyPhen-2: "Not Available"; Align-GVGD: "Class C0". The valine amino acid residue is found in multiple mammalian species, which suggests that this missense change does not adversely affect protein function. Algorithms developed to predict the effect of sequence changes on RNA splicing suggest that this variant may create or strengthen a splice site. In summary, the available evidence is currently insufficient to determine the role of this variant in disease. Therefore, it has been classified as a Variant of Uncertain Significance.